The following is an entry in ClinVar:

NM_006341.4(MAD2L2):c.579G>A (p.Thr193=)

Gene: MAD2L2 (mitotic arrest deficient 2 like 2; minus strand). Cytogenetic location: 1p36.22.
Variant type: single nucleotide variant.
Coding change: c.579G>A on transcript NM_006341.4 (MANE Select); coding-DNA position 579, G replaced by A.
Protein change: p.Thr193=; no amino-acid change (threonine 193 retained).
Molecular consequence: synonymous variant.
Genome position (GRCh38, 1-based): chr1:11,675,097, C>T on the plus strand (G>A on the coding strand, the complement: MAD2L2 is on the minus strand). VCF-style: chr1-11675097-C-T. GRCh37 (hg19) VCF-style: chr1-11735154-C-T.
Other names: c.579G>A, p.Thr193= (NM_001127325.2).
Identifiers: ClinVar variation 785930 (VCV000785930.12), dbSNP rs28924114, ClinGen allele CA593649.

ClinVar aggregate classification (germline): Benign/Likely benign. Review status: criteria provided, multiple submitters, no conflicts (2 of 4 stars). 4 submissions from 4 submitters: Benign (2); Likely benign (2). Last evaluated 2026-07-01.

Allele frequency attached by ClinVar (database versions not stated): gnomAD exomes 0.00040 and 0.00085; ExAC 0.00101; gnomAD 0.00269 and 0.00282; TOPMed 0.00282; 1000 Genomes Project 0.00300; ESP Exome Variant Server 0.00346; 1000 Genomes Project 30x 0.00375.
gnomAD v4.1: 1,002 of 1,595,714 alleles (0.063%); highest among the groups gnomAD compares: African/African-American, 0.83%; 2 homozygotes.

Submissions (4):

CeGaT Center for Human Genetics Tuebingen
Classification: Likely benign. Last evaluated: 2026-07-01. Review status: criteria provided, single submitter. Criteria: CeGaT Center For Human Genetics Tuebingen Variant Classification Criteria Version 2. Collection method: clinical testing. Allele origin: germline. Affected: yes. Observed: 1 variant allele.
Comment: MAD2L2: BP4, BP7

Labcorp Genetics (formerly Invitae), Labcorp
Classification: Benign. Last evaluated: 2026-02-01. Review status: criteria provided, single submitter. Criteria: Invitae Variant Classification Sherloc (09022015). Collection method: clinical testing. Allele origin: germline.

Blueprint Genetics
Classification: Likely benign. Last evaluated: 2024-11-25. Review status: criteria provided, single submitter. Criteria: ACMG Guidelines, 2015. Collection method: clinical testing. Allele origin: germline.

Breakthrough Genomics
Classification: Benign. Review status: criteria provided, single submitter. Criteria: ACMG Guidelines, 2015. Collection method: not provided. Allele origin: germline. Inheritance: Autosomal recessive inheritance. Affected: yes.